The following is an entry in ClinVar:

ClinVar aggregate classification (germline): Likely benign. Review status: criteria provided, single submitter (1 of 4 stars). 2 submissions from 2 submitters: Likely benign (1). 1 of the submissions does not count toward it. Last evaluated 2018-12-07.

Conditions:
Monogenic diabetes. Identifiers: Orphanet 183625, MedGen C3888631, MONDO:0015967.
PPP1R3A-related disorder. Also called: PPP1R3A-related condition.

Allele frequency attached by ClinVar (database versions not stated): gnomAD exomes 0.00016 and 0.00039; ExAC 0.00048; 1000 Genomes Project 0.00160; gnomAD 0.00178 and 0.00194; TOPMed 0.00204; 1000 Genomes Project 30x 0.00219; ESP Exome Variant Server 0.00238.
gnomAD v4.1: 509 of 1,612,648 alleles (0.032%); highest among the groups gnomAD compares: African/African-American, 0.63%; 2 homozygotes.

Submissions (2):

Personalized Diabetes Medicine Program, University of Maryland School of Medicine
Classification: Likely benign for Monogenic diabetes. Last evaluated: 2018-12-07. Review status: criteria provided, single submitter. Criteria: ACMG Guidelines, 2015. Collection method: research. Allele origin: unknown. Observed: 3 variant alleles, 3 heterozygotes.
Comment: ACMG criteria: BP4 (REVEL 0.031 + 8 predictors), BS2 (14 cases and 12 controls in an online resource)=Likely Benign

PreventionGenetics, part of Exact Sciences
Classification: Likely benign for PPP1R3A-related condition. Last evaluated: 2019-08-26. Review status: no assertion criteria provided. Collection method: clinical testing. Allele origin: germline. Not counted in ClinVar's aggregate classification.
Comment: This variant is classified as likely benign based on ACMG/AMP sequence variant interpretation guidelines (Richards et al. 2015 PMID: 25741868, with internal and published modifications).

NM_002711.4(PPP1R3A):c.2640A>T (p.Arg880Ser)

Gene: PPP1R3A (protein phosphatase 1 regulatory subunit 3A; minus strand). Cytogenetic location: 7q31.1.
Variant type: single nucleotide variant.
Coding change: c.2640A>T on transcript NM_002711.4 (MANE Select); coding-DNA position 2640, A replaced by T.
Protein change: p.Arg880Ser; replaces arginine 880 with serine.
Molecular consequence: missense variant.
Genome position (GRCh38, 1-based): chr7:113,878,452, T>A on the plus strand (A>T on the coding strand, the complement: PPP1R3A is on the minus strand). VCF-style: chr7-113878452-T-A. GRCh37 (hg19) VCF-style: chr7-113518507-T-A.
Other names: c.2640A>T (NM_002711.3); short protein forms R880S.
Identifiers: ClinVar variation 393401 (VCV000393401.5), dbSNP rs115322623, ClinGen allele CA4445038.